The following is an entry in ClinVar:

NM_006767.4(LZTR1):c.200+1dup

Gene: LZTR1 (leucine zipper like post translational regulator 1; plus strand). Cytogenetic location: 22q11.21.
Variant type: Duplication.
Coding change: c.200+1dup on transcript NM_006767.4 (MANE Select); the canonical splice donor site of the intron after coding-DNA position 200, one base duplicated (G; older notation c.200+1dupG).
Molecular consequence: splice donor variant.
Genome position (GRCh38, 1-based): chr22:20,982,572, G duplicated; the last of 2 consecutive G bases (chr22:20,982,571-20,982,572); duplicating either gives the same sequence. VCF-style (leftmost placement, unchanged base first): chr22-20982570-C-CG. GRCh37 (hg19) VCF-style: chr22-21336859-C-CG.
Identifiers: ClinVar variation 1784227 (VCV001784227.8), dbSNP rs1239699760, ClinGen allele CA638942440.

ClinVar aggregate classification (germline): Pathogenic/Likely pathogenic. Review status: criteria provided, multiple submitters, no conflicts (2 of 4 stars). 4 submissions from 4 submitters: Pathogenic (2); Likely pathogenic (2). Last evaluated 2025-05-14.

Conditions:
LZTR1-related schwannomatosis. Also called: Schwannomatosis-2, susceptibility to; Schwannomatosis 2. Identifiers: Orphanet 93921, MedGen C3810283, MONDO:0014299, OMIM 615670.
Hereditary cancer-predisposing syndrome. Also called: Neoplastic Syndromes, Hereditary; Tumor predisposition; Hereditary Cancer Syndrome; Hereditary neoplastic syndrome. Identifiers: Orphanet 140162, MedGen C0027672, MeSH D009386, MONDO:0015356.
Cardiovascular phenotype. Identifiers: MedGen CN230736.

Submissions (4):

Ambry Genetics
Classification: Likely pathogenic for Cardiovascular phenotype; Hereditary cancer-predisposing syndrome. Last evaluated: 2025-05-14. Review status: criteria provided, single submitter. Criteria: Ambry Variant Classification Scheme 2023. Collection method: clinical testing. Allele origin: germline.
Comment: The c.200+1dupG intronic variant, results from a duplication of two nucleotides at nucleotide position 200 after intron 1 of the LZTR1 gene. This nucleotide position is highly conserved in available vertebrate species. In silico splice site analysis predicts that this alteration will weaken the native splice donor site and will result in the creation or strengthening of a novel splice donor site. Loss-of-function variants in LZTR1 are related to an increased risk for schwannomas and autosomal recessive Noonan syndrome; however, such associations with autosomal dominant Noonan syndrome have not been observed (Piotrowski A et al. Nat Genet. 2014 Feb;46:182-7; Yamamoto GL et al. J Med Genet. 2015 Jun;52:413-21; Johnston JJ et al. Genet Med. 2018 10;20:1175-1185). Based on the supporting evidence, this variant is likely pathogenic for an increased risk of LZTR1-related schwannomatosis (SWN) and would be expected to cause autosomal recessive Noonan syndrome when present along with a second pathogenic or likely pathogenic variant on the other allele; however, the association of this alteration with autosomal dominant Noonan syndrome is unlikely.

GeneDx
Classification: Pathogenic. Last evaluated: 2025-01-03. Review status: criteria provided, single submitter. Criteria: GeneDx Variant Classification Process June 2021. Collection method: clinical testing. Allele origin: germline. Affected: yes.
Comment: Canonical splice site variant predicted to result in a null allele in a gene for which loss of function is a known mechanism of disease; Not observed at significant frequency in large population cohorts (gnomAD); Has not been previously published as pathogenic or benign to our knowledge

Labcorp Genetics (formerly Invitae), Labcorp
Classification: Pathogenic. Last evaluated: 2024-04-03. Review status: criteria provided, single submitter. Criteria: Invitae Variant Classification Sherloc (09022015). Collection method: clinical testing. Allele origin: germline.
Comment: This sequence change creates a premature translational stop signal (Splice site) in the LZTR1 gene. It is expected to result in an absent or disrupted protein product. Loss-of-function variants in LZTR1 are known to be pathogenic (PMID: 24362817, 25335493, 25480913, 25795793, 29469822, 30368668, 30442762, 30442766, 30481304, 30859559). This variant is present in population databases (no rsID available, gnomAD 0.01%). This variant has not been reported in the literature in individuals affected with LZTR1-related conditions. This variant is also known as c.200+1dup. ClinVar contains an entry for this variant (Variation ID: 1784227). For these reasons, this variant has been classified as Pathogenic.

Baylor Genetics
Classification: Likely pathogenic for LZTR1-related schwannomatosis. Last evaluated: 2024-03-11. Review status: criteria provided, single submitter. Criteria: ACMG Guidelines, 2015. Collection method: clinical testing. Allele origin: unknown.

Literature cited by the submitters: PubMed 24362817 (cited by Labcorp Genetics (formerly Invitae), Labcorp); PubMed 25335493 (cited by Labcorp Genetics (formerly Invitae), Labcorp); PubMed 25480913 (cited by Labcorp Genetics (formerly Invitae), Labcorp); PubMed 25795793 (cited by Labcorp Genetics (formerly Invitae), Labcorp); PubMed 29469822 (cited by Labcorp Genetics (formerly Invitae), Labcorp); PubMed 30368668 (cited by Labcorp Genetics (formerly Invitae), Labcorp); PubMed 30442762 (cited by Labcorp Genetics (formerly Invitae), Labcorp); PubMed 30442766 (cited by Labcorp Genetics (formerly Invitae), Labcorp); PubMed 30481304 (cited by Labcorp Genetics (formerly Invitae), Labcorp); PubMed 30859559 (cited by Labcorp Genetics (formerly Invitae), Labcorp).